The following is an entry in ClinVar:

NM_152419.3(HGSNAT):c.395T>C (p.Phe132Ser)

Gene: HGSNAT (heparan-alpha-glucosaminide N-acetyltransferase; plus strand). Cytogenetic location: 8p11.21.
Variant type: single nucleotide variant.
Coding change: c.395T>C on transcript NM_152419.3 (MANE Select); coding-DNA position 395, T replaced by C.
Protein change: p.Phe132Ser; replaces phenylalanine 132 with serine.
Molecular consequence: missense variant. On other transcripts: 5 prime UTR variant (1).
Genome position (GRCh38, 1-based): chr8:43,158,946, T>C. VCF-style: chr8-43158946-T-C. GRCh37 (hg19) VCF-style: chr8-43014089-T-C.
Other names: c.395T>C, p.Phe132Ser (NM_001363227.2, NM_001363228.2); c.-439T>C (NM_001363229.2); short protein forms F132S.
Identifiers: ClinVar variation 1497387 (VCV001497387.5), dbSNP rs769984670, ClinGen allele CA4736502.

ClinVar aggregate classification (germline): Uncertain significance (1 of 4 stars; one submission).

Conditions:
Mucopolysaccharidosis, MPS-III-C (MPS3C). Also called: SANFILIPPO SYNDROME C; MPS III C; MPS IIIC (Sanfilippo Syndrome Type C); MUCOPOLYSACCHARIDOSIS, TYPE IIIC; Mucopolysaccharidosis type IIIC (Sanfilippo C); mucopolysaccharidosis type 3C. Identifiers: Orphanet 581, Orphanet 79271, MedGen C0086649, MONDO:0009657, OMIM 252930.
Retinitis pigmentosa 73 (RP73). Identifiers: Orphanet 791, MedGen C4225287, MONDO:0014687, OMIM 616544.

Allele frequency attached by ClinVar (database versions not stated): ExAC 0.00001; gnomAD exomes below 0.00001; TOPMed 0.00001.

Submission:

Labcorp Genetics (formerly Invitae), Labcorp
Classification: Uncertain significance for Retinitis pigmentosa 73; Mucopolysaccharidosis, MPS-III-C. Last evaluated: 2022-07-25. Review status: criteria provided, single submitter. Criteria: Invitae Variant Classification Sherloc (09022015). Collection method: clinical testing. Allele origin: germline.
Comment: This sequence change replaces phenylalanine, which is neutral and non-polar, with serine, which is neutral and polar, at codon 132 of the HGSNAT protein (p.Phe132Ser). This variant is present in population databases (rs769984670, gnomAD 0.0009%). This variant has not been reported in the literature in individuals affected with HGSNAT-related conditions. ClinVar contains an entry for this variant (Variation ID: 1497387). Algorithms developed to predict the effect of missense changes on protein structure and function are either unavailable or do not agree on the potential impact of this missense change (SIFT: "Deleterious"; PolyPhen-2: "Benign"; Align-GVGD: "Class C0"). In summary, the available evidence is currently insufficient to determine the role of this variant in disease. Therefore, it has been classified as a Variant of Uncertain Significance.